The following is an entry in ClinVar:

ClinVar aggregate classification (germline): Uncertain significance (1 of 4 stars; one submission).

Submission:

GeneDx
Classification: Uncertain significance. Last evaluated: 2024-08-05. Review status: criteria provided, single submitter. Criteria: GeneDx Variant Classification Process June 2021. Collection method: clinical testing. Allele origin: germline. Affected: yes.
Comment: Not observed at significant frequency in large population cohorts (gnomAD); In silico analysis supports that this missense variant has a deleterious effect on protein structure/function; Has not been previously published as pathogenic or benign to our knowledge

NM_000193.4(SHH):c.146C>T (p.Pro49Leu)

Gene: SHH (sonic hedgehog signaling molecule; minus strand). Cytogenetic location: 7q36.3.
Variant type: single nucleotide variant.
Coding change: c.146C>T on transcript NM_000193.4 (MANE Select); coding-DNA position 146, C replaced by T.
Protein change: p.Pro49Leu; replaces proline 49 with leucine.
Molecular consequence: missense variant.
Genome position (GRCh38, 1-based): chr7:155,811,977, G>A on the plus strand (C>T on the coding strand, the complement: SHH is on the minus strand). VCF-style: chr7-155811977-G-A. GRCh37 (hg19) VCF-style: chr7-155604671-G-A.
Other names: short protein forms P49L.
Identifiers: ClinVar variation 3603168 (VCV003603168.1).